The following is an entry in ClinVar:

NM_000548.5(TSC2):c.1840-11C>G

Gene: TSC2 (TSC complex subunit 2; plus strand). Cytogenetic location: 16p13.3.
Variant type: single nucleotide variant.
Coding change: c.1840-11C>G on transcript NM_000548.5 (MANE Select); 11 bases into the intron before coding-DNA position 1840, C replaced by G.
Molecular consequence: intron variant.
Genome position (GRCh38, 1-based): chr16:2,071,499, C>G. VCF-style: chr16-2071499-C-G. GRCh37 (hg19) VCF-style: chr16-2121500-C-G.
Other names: c.1840-11C>G (NM_001114382.3, NM_021055.3, NM_001370405.1 and 3 more transcripts); c.1729-11C>G (NM_001318827.2); c.1240-11C>G (NM_001318831.2); c.1693-11C>G (NM_001318829.2); c.1873-11C>G (NM_001318832.2).
Identifiers: ClinVar variation 516777 (VCV000516777.14), dbSNP rs754804519, ClinGen allele CA033999.

ClinVar aggregate classification (germline): Benign/Likely benign. Review status: criteria provided, multiple submitters, no conflicts (2 of 4 stars). 5 submissions from 5 submitters: Benign (2); Likely benign (3). Last evaluated 2026-01-19.

Conditions:
Tuberous sclerosis syndrome (TSC). Also called: Tuberous Sclerosis Complex; Tuberous sclerosis. Identifiers: Orphanet 805, MedGen C0041341, MONDO:0001734.
Tuberous sclerosis 2 (TSC2). Identifiers: Orphanet 805, MedGen C1860707, MONDO:0013199, OMIM 613254.

Allele frequency attached by ClinVar (database versions not stated): TOPMed 0.00002; ExAC 0.00003; gnomAD 0.00003; gnomAD exomes 0.00005.
gnomAD v4.1: 14 of 1,613,456 alleles (0.00087%); highest among the groups gnomAD compares: East Asian, 0.013%; no homozygotes.

Submissions (5):

Labcorp Genetics (formerly Invitae), Labcorp
Classification: Likely benign for Tuberous sclerosis 2. Last evaluated: 2026-01-19. Review status: criteria provided, single submitter. Criteria: Invitae Variant Classification Sherloc (09022015). Collection method: clinical testing. Allele origin: germline.

Myriad Genetics, Inc.
Classification: Likely benign for Tuberous sclerosis 2. Last evaluated: 2024-08-06. Review status: criteria provided, single submitter. Criteria: Myriad Autosomal Dominant, Autosomal Recessive and X-Linked Classification Criteria (2023). Collection method: clinical testing. Allele origin: unknown.
Comment: This variant is considered likely benign. This variant is intronic and is not expected to impact mRNA splicing. This variant has been observed at a population frequency that is significantly greater than expected given the associated disease prevalence and penetrance.

All of Us Research Program, National Institutes of Health
Classification: Benign for Tuberous sclerosis syndrome. Last evaluated: 2024-01-06. Review status: criteria provided, single submitter. Criteria: ACMG Guidelines, 2015. Collection method: clinical testing. Allele origin: germline. Inheritance: Autosomal dominant inheritance. Observed: 3 variant alleles, 3 heterozygotes.
Comment: This study involves interpretation of variants in research participants for the purpose of population health screening. Participant phenotype was not available at the time of variant classification. Additional details can be found in publication PMID: 35346344, PMCID: PMC8962531

Color Diagnostics, LLC DBA Color Health
Classification: Benign for Tuberous sclerosis syndrome. Last evaluated: 2022-11-08. Review status: criteria provided, single submitter. Criteria: ACMG Guidelines, 2015. Collection method: clinical testing. Allele origin: germline.

GeneDx
Classification: Likely benign. Last evaluated: 2018-06-28. Review status: criteria provided, single submitter. Criteria: GeneDx Variant Classification Process June 2021. Collection method: clinical testing. Allele origin: germline. Affected: yes.